The following is an entry in ClinVar:

ClinVar aggregate classification (germline): Likely benign (0 of 4 stars; one submission).

Conditions:
ZNF512B-related disorder. Also called: ZNF512B-related condition.

Allele frequency attached by ClinVar (database versions not stated): gnomAD exomes 0.00008; ExAC 0.00009; TOPMed 0.00009; gnomAD 0.00010; 1000 Genomes Project 30x 0.00016; 1000 Genomes Project 0.00020.
gnomAD v4.1: 126 of 1,601,864 alleles (0.0079%); highest among the groups gnomAD compares: East Asian, 0.19%; no homozygotes.

Submission:

PreventionGenetics, part of Exact Sciences
Classification: Likely benign for ZNF512B-related condition. Last evaluated: 2019-03-29. Review status: no assertion criteria provided. Collection method: clinical testing. Allele origin: germline.
Comment: This variant is classified as likely benign based on ACMG/AMP sequence variant interpretation guidelines (Richards et al. 2015 PMID: 25741868, with internal and published modifications).

NM_020713.3(ZNF512B):c.435C>T (p.Cys145=)

Gene: ZNF512B (zinc finger protein 512B; minus strand). Cytogenetic location: 20q13.33.
Variant type: single nucleotide variant.
Coding change: c.435C>T on transcript NM_020713.3 (MANE Select); coding-DNA position 435, C replaced by T.
Protein change: p.Cys145=; no amino-acid change (cysteine 145 retained).
Molecular consequence: synonymous variant.
Genome position (GRCh38, 1-based): chr20:63,966,740, G>A on the plus strand (C>T on the coding strand, the complement: ZNF512B is on the minus strand). VCF-style: chr20-63966740-G-A. GRCh37 (hg19) VCF-style: chr20-62598093-G-A.
Identifiers: ClinVar variation 3044196 (VCV003044196.2), dbSNP rs201037243, ClinGen allele CA9971411.